The following is an entry in ClinVar:

NM_006509.4(RELB):c.388A>C (p.Thr130Pro)

Gene: RELB (RELB proto-oncogene, NF-kB subunit; plus strand). Cytogenetic location: 19q13.32.
Variant type: single nucleotide variant.
Coding change: c.388A>C on transcript NM_006509.4 (MANE Select); coding-DNA position 388, A replaced by C.
Protein change: p.Thr130Pro; replaces threonine 130 with proline.
Molecular consequence: missense variant.
Genome position (GRCh38, 1-based): chr19:45,012,160, A>C. VCF-style: chr19-45012160-A-C. GRCh37 (hg19) VCF-style: chr19-45515418-A-C.
Other names: c.379A>C, p.Thr127Pro (NM_001411087.1); short protein forms T127P, T130P.
Identifiers: ClinVar variation 4798887 (VCV004798887.1).
Genomic context (GRCh38, chr19:45,012,160, plus strand): 5'-CCCCTGGGCCGACTAGTGTCCCCAGCGCCGGGCCCGGGCCCGCAGCCGCACCTGGTCATC[A>C]CGGAGCAGCCCAAGCAGCGCGGCATGCGCTTCCGCTACGAGTGCGAGGGCCGCTCGGCCG-3'
Protein context (NP_006500.2, residues 120-140): GPGPQPHLVI[Thr130Pro]EQPKQRGMRF

ClinVar aggregate classification (germline): Uncertain significance (1 of 4 stars; one submission).

Submission:

Labcorp Genetics (formerly Invitae), Labcorp
Classification: Uncertain significance. Last evaluated: 2025-12-21. Review status: criteria provided, single submitter. Criteria: Invitae Variant Classification Sherloc (09022015). Collection method: clinical testing. Allele origin: germline.
Comment: This sequence change replaces threonine, which is neutral and polar, with proline, which is neutral and non-polar, at codon 130 of the RELB protein (p.Thr130Pro). This variant is not present in population databases (gnomAD no frequency). This variant has not been reported in the literature in individuals affected with RELB-related conditions. An algorithm developed to predict the effect of missense changes on protein structure and function (PolyPhen-2) suggests that this variant is likely to be disruptive. In summary, the available evidence is currently insufficient to determine the role of this variant in disease. Therefore, it has been classified as a Variant of Uncertain Significance.